The following is an entry in ClinVar:

NM_000143.4(FH):c.905-17A>G

Gene: FH (fumarate hydratase; minus strand). Cytogenetic location: 1q43.
Variant type: single nucleotide variant.
Coding change: c.905-17A>G on transcript NM_000143.4 (MANE Select); 17 bases into the intron before coding-DNA position 905, A replaced by G.
Molecular consequence: intron variant.
Genome position (GRCh38, 1-based): chr1:241,504,262, T>C on the plus strand (A>G on the coding strand, the complement: FH is on the minus strand). VCF-style: chr1-241504262-T-C. GRCh37 (hg19) VCF-style: chr1-241667562-T-C.
Identifiers: ClinVar variation 2061763 (VCV002061763.5), dbSNP rs2527319861, ClinGen allele CA2580063493.

ClinVar aggregate classification (germline): Likely benign. Review status: criteria provided, multiple submitters, no conflicts (2 of 4 stars). 2 submissions from 2 submitters: Likely benign (2). Last evaluated 2025-01-13.

Conditions:
Hereditary leiomyomatosis and renal cell cancer. Also called: MULTIPLE CUTANEOUS AND UTERINE LEIOMYOMATA 1, WITH OR WITHOUT RENAL CELL CARCINOMA; LEIOMYOMA, MULTIPLE CUTANEOUS; Reed syndrome; Multiple cutaneous and uterine leiomyomatosis; Cutaneous leiomyomata with uterine leiomyomata; Leiomyoma, hereditary multiple, of skin. Identifiers: Orphanet 523, MedGen C1708350, MONDO:0007888, OMIM 150800, HP:0007437. Disease mechanism: loss of function.

Allele frequency attached by ClinVar (database versions not stated): gnomAD exomes below 0.00001.

Submissions (2):

Labcorp Genetics (formerly Invitae), Labcorp
Classification: Likely benign. Last evaluated: 2025-01-13. Review status: criteria provided, single submitter. Criteria: Invitae Variant Classification Sherloc (09022015). Collection method: clinical testing. Allele origin: germline.

Myriad Genetics, Inc.
Classification: Likely benign for Hereditary leiomyomatosis and renal cell cancer. Last evaluated: 2024-10-18. Review status: criteria provided, single submitter. Criteria: Myriad Autosomal Dominant, Autosomal Recessive and X-Linked Classification Criteria (2023). Collection method: clinical testing. Allele origin: unknown.
Comment: This variant is considered likely benign. This variant is intronic and is not expected to impact mRNA splicing.